The following is an entry in ClinVar:

NM_006922.4(SCN3A):c.3483A>C (p.Glu1161Asp)

Gene: SCN3A (sodium voltage-gated channel alpha subunit 3; minus strand). Cytogenetic location: 2q24.3.
Variant type: single nucleotide variant.
Coding change: c.3483A>C on transcript NM_006922.4 (MANE Select); coding-DNA position 3483, A replaced by C.
Protein change: p.Glu1161Asp; replaces glutamic acid 1161 with aspartic acid.
Molecular consequence: missense variant.
Genome position (GRCh38, 1-based): chr2:165,115,486, T>G on the plus strand (A>C on the coding strand, the complement: SCN3A is on the minus strand). VCF-style: chr2-165115486-T-G. GRCh37 (hg19) VCF-style: chr2-165971996-T-G.
Other names: c.3336A>C, p.Glu1112Asp (NM_001081676.2, NM_001081677.2); short protein forms E1112D, E1161D.
Identifiers: ClinVar variation 1461309 (VCV001461309.8), dbSNP rs778166894, ClinGen allele CA349035665.

ClinVar aggregate classification (germline): Uncertain significance (1 of 4 stars; one submission).

Submission:

Labcorp Genetics (formerly Invitae), Labcorp
Classification: Uncertain significance. Last evaluated: 2022-09-12. Review status: criteria provided, single submitter. Criteria: Invitae Variant Classification Sherloc (09022015). Collection method: clinical testing. Allele origin: germline.
Comment: In summary, the available evidence is currently insufficient to determine the role of this variant in disease. Therefore, it has been classified as a Variant of Uncertain Significance. Advanced modeling of protein sequence and biophysical properties (such as structural, functional, and spatial information, amino acid conservation, physicochemical variation, residue mobility, and thermodynamic stability) performed at Invitae indicates that this missense variant is not expected to disrupt SCN3A protein function. ClinVar contains an entry for this variant (Variation ID: 1461309). This variant has not been reported in the literature in individuals affected with SCN3A-related conditions. This variant is not present in population databases (gnomAD no frequency). This sequence change replaces glutamic acid, which is acidic and polar, with aspartic acid, which is acidic and polar, at codon 1161 of the SCN3A protein (p.Glu1161Asp).